The following is an entry in ClinVar:

NM_002299.4(LCT):c.2123G>C (p.Gly708Ala)

Gene: LCT (lactase; minus strand). Cytogenetic location: 2q21.3.
Variant type: single nucleotide variant.
Coding change: c.2123G>C on transcript NM_002299.4 (MANE Select); coding-DNA position 2123, G replaced by C.
Protein change: p.Gly708Ala; replaces glycine 708 with alanine.
Molecular consequence: missense variant.
Genome position (GRCh38, 1-based): chr2:135,812,541, C>G on the plus strand (G>C on the coding strand, the complement: LCT is on the minus strand). VCF-style: chr2-135812541-C-G. GRCh37 (hg19) VCF-style: chr2-136570111-C-G.
Other names: short protein forms G708A.
Identifiers: ClinVar variation 1435990 (VCV001435990.6), dbSNP rs2077743049, ClinGen allele CA348604636.
Genomic context (GRCh38, chr2:135,812,541, plus strand): 5'-ACCACACGAATCCAAGAGGATGAGGTCTGGGGCCACACATGGTTCACGTGTTGGGAGAAG[C>G]CTCCAATGGTATCATAGCTAGGGATGCAGGTGTTTTGTGGGGCGTTGCTGATGAGGCGGG-3'
Protein context (NP_002290.2, residues 698-718): TCIPSYDTIG[Gly708Ala]FSQHVNHVWP

ClinVar aggregate classification (germline): Uncertain significance (1 of 4 stars; one submission).

Allele frequency attached by ClinVar (database versions not stated): TOPMed below 0.00001.

Submission:

Labcorp Genetics (formerly Invitae), Labcorp
Classification: Uncertain significance. Last evaluated: 2021-12-06. Review status: criteria provided, single submitter. Criteria: Invitae Variant Classification Sherloc (09022015). Collection method: clinical testing. Allele origin: germline.
Comment: This sequence change replaces glycine, which is neutral and non-polar, with alanine, which is neutral and non-polar, at codon 708 of the LCT protein (p.Gly708Ala). This variant is not present in population databases (gnomAD no frequency). In summary, the available evidence is currently insufficient to determine the role of this variant in disease. Therefore, it has been classified as a Variant of Uncertain Significance. Algorithms developed to predict the effect of missense changes on protein structure and function are either unavailable or do not agree on the potential impact of this missense change (SIFT: "Not Available"; PolyPhen-2: "Probably Damaging"; Align-GVGD: "Not Available"). This variant has not been reported in the literature in individuals affected with LCT-related conditions.